The following is an entry in ClinVar:

ClinVar aggregate classification (germline): Uncertain significance (1 of 4 stars; one submission).

Conditions:
Familial melanoma. Also called: Hereditary melanoma; Hereditary cutaneous melanoma. Identifiers: Orphanet 618, MedGen C1512419, MONDO:0018961.

Submission:

Labcorp Genetics (formerly Invitae), Labcorp
Classification: Uncertain significance for Familial melanoma. Last evaluated: 2023-04-14. Review status: criteria provided, single submitter. Criteria: Invitae Variant Classification Sherloc (09022015). Collection method: clinical testing. Allele origin: germline.
Comment: In summary, the available evidence is currently insufficient to determine the role of this variant in disease. Therefore, it has been classified as a Variant of Uncertain Significance. Advanced modeling of protein sequence and biophysical properties (such as structural, functional, and spatial information, amino acid conservation, physicochemical variation, residue mobility, and thermodynamic stability) performed at Invitae indicates that this missense variant is expected to disrupt CDK4 protein function. This variant has not been reported in the literature in individuals affected with CDK4-related conditions. This variant is not present in population databases (gnomAD no frequency). This sequence change replaces glycine, which is neutral and non-polar, with valine, which is neutral and non-polar, at codon 15 of the CDK4 protein (p.Gly15Val).

NM_000075.4(CDK4):c.44G>T (p.Gly15Val)

Gene: CDK4 (cyclin dependent kinase 4; minus strand). Cytogenetic location: 12q14.1.
Variant type: single nucleotide variant.
Coding change: c.44G>T on transcript NM_000075.4 (MANE Select); coding-DNA position 44, G replaced by T.
Protein change: p.Gly15Val; replaces glycine 15 with valine.
Molecular consequence: missense variant.
Genome position (GRCh38, 1-based): chr12:57,751,674, C>A on the plus strand (G>T on the coding strand, the complement: CDK4 is on the minus strand). VCF-style: chr12-57751674-C-A. GRCh37 (hg19) VCF-style: chr12-58145457-C-A.
Other names: short protein forms G15V.
Identifiers: ClinVar variation 2856102 (VCV002856102.3), dbSNP rs2140388684, ClinGen allele CA385549118.